The following is an entry in ClinVar:

ClinVar aggregate classification (germline): Uncertain significance (1 of 4 stars; one submission).

Conditions:
Asphyxiating thoracic dystrophy 5 (SRTD5). Also called: SHORT-RIB THORACIC DYSPLASIA 5 WITH OR WITHOUT POLYDACTYLY; SHORT-RIB THORACIC DYSPLASIA 5 WITHOUT POLYDACTYLY. Identifiers: Orphanet 474, MedGen C3280598, MONDO:0013717, OMIM 614376.
Senior-Loken syndrome 8 (SLSN8). Identifiers: Orphanet 3156, MedGen C4225376, MONDO:0014579, OMIM 616307.

Allele frequency attached by ClinVar (database versions not stated): gnomAD exomes below 0.00001; gnomAD 0.00001; TOPMed 0.00001.
gnomAD v4.1: 9 of 1,608,774 alleles (0.00056%); highest among the groups gnomAD compares: African/African-American, 0.0027%; no homozygotes.

Submission:

Labcorp Genetics (formerly Invitae), Labcorp
Classification: Uncertain significance for Senior-Loken syndrome 8; Asphyxiating thoracic dystrophy 5. Last evaluated: 2022-06-14. Review status: criteria provided, single submitter. Criteria: Invitae Variant Classification Sherloc (09022015). Collection method: clinical testing. Allele origin: germline.
Comment: This sequence change affects codon 1022 of the WDR19 mRNA. It is a 'silent' change, meaning that it does not change the encoded amino acid sequence of the WDR19 protein. The frequency data for this variant in the population databases is considered unreliable, as metrics indicate poor data quality at this position in the gnomAD database. This variant has not been reported in the literature in individuals affected with WDR19-related conditions. Algorithms developed to predict the effect of sequence changes on RNA splicing suggest that this variant may create or strengthen a splice site. In summary, the available evidence is currently insufficient to determine the role of this variant in disease. Therefore, it has been classified as a Variant of Uncertain Significance.

NM_025132.4(WDR19):c.3066A>G (p.Arg1022=)

Gene: WDR19 (WD repeat domain 19; plus strand). Cytogenetic location: 4p14.
Variant type: single nucleotide variant.
Coding change: c.3066A>G on transcript NM_025132.4 (MANE Select); coding-DNA position 3066, A replaced by G.
Protein change: p.Arg1022=; no amino-acid change (arginine 1022 retained).
Molecular consequence: synonymous variant.
Genome position (GRCh38, 1-based): chr4:39,255,912, A>G. VCF-style: chr4-39255912-A-G. GRCh37 (hg19) VCF-style: chr4-39257532-A-G.
Other names: c.2586A>G, p.Arg862= (NM_001317924.2).
Identifiers: ClinVar variation 2070773 (VCV002070773.1), dbSNP rs776166143, ClinGen allele CA95693185.